The following is an entry in ClinVar:

NM_014285.7(EXOSC2):c.752T>C (p.Leu251Pro)

Gene: EXOSC2 (exosome component 2; plus strand). Cytogenetic location: 9q34.12.
Variant type: single nucleotide variant.
Coding change: c.752T>C on transcript NM_014285.7 (MANE Select); coding-DNA position 752, T replaced by C.
Protein change: p.Leu251Pro; replaces leucine 251 with proline.
Molecular consequence: missense variant. On other transcripts: non-coding transcript variant (1).
Genome position (GRCh38, 1-based): chr9:130,703,132, T>C. VCF-style: chr9-130703132-T-C. GRCh37 (hg19) VCF-style: chr9-133578519-T-C.
Other names: c.674T>C, p.Leu225Pro (NM_001282708.1); c.662T>C, p.Leu221Pro (NM_001282709.1); short protein forms L221P, L225P, L251P.
Identifiers: ClinVar variation 2135811 (VCV002135811.1), dbSNP rs566092143, ClinGen allele CA5284976.
Genomic context (GRCh38, chr9:130,703,132, plus strand): 5'-GAGAGGTGATATCCCGGCTTCGGAACTGCATCATCTCGCTGGTAACTCAGAGGATGATGC[T>C]GTATGATACCAGCATCCTGTACTGCTATGAAGCATCCCTTCCACATCAGGTACTCTCCCC-3'
Protein context (NP_055100.2, residues 241-261): IISLVTQRMM[Leu251Pro]YDTSILYCYE

ClinVar aggregate classification (germline): Uncertain significance (1 of 4 stars; one submission).

Allele frequency attached by ClinVar (database versions not stated): TOPMed below 0.00001; gnomAD 0.00001; gnomAD exomes 0.00001; ExAC 0.00002; 1000 Genomes Project 30x 0.00016; 1000 Genomes Project 0.00020.
gnomAD v4.1: 18 of 1,614,050 alleles (0.0011%); highest among the groups gnomAD compares: South Asian, 0.02%; no homozygotes.

Submission:

Labcorp Genetics (formerly Invitae), Labcorp
Classification: Uncertain significance. Last evaluated: 2022-03-30. Review status: criteria provided, single submitter. Criteria: Invitae Variant Classification Sherloc (09022015). Collection method: clinical testing. Allele origin: germline.
Comment: This sequence change replaces leucine, which is neutral and non-polar, with proline, which is neutral and non-polar, at codon 251 of the EXOSC2 protein (p.Leu251Pro). This variant is present in population databases (rs566092143, gnomAD 0.01%). This variant has not been reported in the literature in individuals affected with EXOSC2-related conditions. Algorithms developed to predict the effect of missense changes on protein structure and function (SIFT, PolyPhen-2, Align-GVGD) all suggest that this variant is likely to be disruptive. In summary, the available evidence is currently insufficient to determine the role of this variant in disease. Therefore, it has been classified as a Variant of Uncertain Significance.